The following is an entry in ClinVar:

NM_001378615.1(CC2D2A):c.1326C>A (p.His442Gln)

Genes: CC2D2A (coiled-coil and C2 domain containing 2A; plus strand), FBXL5 (F-box and leucine rich repeat protein 5; minus strand). Cytogenetic location: 4p15.32.
Variant type: single nucleotide variant.
Coding change: c.1326C>A on transcript NM_001378615.1 (MANE Select); coding-DNA position 1326, C replaced by A.
Protein change: p.His442Gln; replaces histidine 442 with glutamine.
Molecular consequence: missense variant.
Genome position (GRCh38, 1-based): chr4:15,527,623, C>A. VCF-style: chr4-15527623-C-A. GRCh37 (hg19) VCF-style: chr4-15529246-C-A.
Other names: c.1326C>A, p.His442Gln (NM_001080522.2); c.1179C>A, p.His393Gln (NM_001378617.1); short protein forms H393Q, H442Q.
Identifiers: ClinVar variation 1417666 (VCV001417666.6), dbSNP rs1284018435, ClinGen allele CA356410491.

ClinVar aggregate classification (germline): Uncertain significance (1 of 4 stars; one submission).

Conditions:
Joubert syndrome. Also called: JOUBERT-BOLTSHAUSER SYNDROME; Familial aplasia of the vermis. Identifiers: Orphanet 475, MedGen C5979921, MONDO:0018772.
Meckel-Gruber syndrome. Also called: DYSENCEPHALIA SPLANCHNOCYSTICA; GRUBER SYNDROME; Dysencephalia splachnocystica. Identifiers: Orphanet 564, MedGen C0265215, MONDO:0018921.

Submission:

Labcorp Genetics (formerly Invitae), Labcorp
Classification: Uncertain significance for Joubert syndrome; Meckel-Gruber syndrome. Last evaluated: 2021-09-24. Review status: criteria provided, single submitter. Criteria: Invitae Variant Classification Sherloc (09022015). Collection method: clinical testing. Allele origin: germline.
Comment: Advanced modeling of protein sequence and biophysical properties (such as structural, functional, and spatial information, amino acid conservation, physicochemical variation, residue mobility, and thermodynamic stability) performed at Invitae indicates that this missense variant is not expected to disrupt CC2D2A protein function. In summary, the available evidence is currently insufficient to determine the role of this variant in disease. Therefore, it has been classified as a Variant of Uncertain Significance. This variant has not been reported in the literature in individuals affected with CC2D2A-related conditions. This sequence change replaces histidine with glutamine at codon 442 of the CC2D2A protein (p.His442Gln). The histidine residue is weakly conserved and there is a small physicochemical difference between histidine and glutamine. This variant is not present in population databases (ExAC no frequency).